The following is an entry in ClinVar:

ClinVar aggregate classification (germline): Uncertain significance (1 of 4 stars; one submission).

Submission:

GeneDx
Classification: Uncertain significance. Last evaluated: 2023-11-14. Review status: criteria provided, single submitter. Criteria: GeneDx Variant Classification Process June 2021. Collection method: clinical testing. Allele origin: germline. Affected: yes.
Comment: Not observed at significant frequency in large population cohorts (gnomAD); In silico analysis supports that this missense variant does not alter protein structure/function; Has not been previously published as pathogenic or benign to our knowledge

NM_001145358.2(SIN3A):c.3758C>G (p.Thr1253Ser)

Gene: SIN3A (SIN3 transcription regulator family member A; minus strand). Cytogenetic location: 15q24.2.
Variant type: single nucleotide variant.
Coding change: c.3758C>G on transcript NM_001145358.2 (MANE Select); coding-DNA position 3758, C replaced by G.
Protein change: p.Thr1253Ser; replaces threonine 1253 with serine.
Molecular consequence: missense variant.
Genome position (GRCh38, 1-based): chr15:75,372,043, G>C on the plus strand (C>G on the coding strand, the complement: SIN3A is on the minus strand). VCF-style: chr15-75372043-G-C. GRCh37 (hg19) VCF-style: chr15-75664384-G-C.
Other names: c.3758C>G, p.Thr1253Ser (NM_001145357.2, NM_015477.3); short protein forms T1253S.
Identifiers: ClinVar variation 3364322 (VCV003364322.1).